The following is an entry in ClinVar:

NM_198578.4(LRRK2):c.2197G>A (p.Ala733Thr)

Gene: LRRK2 (leucine rich repeat kinase 2; plus strand). Cytogenetic location: 12q12.
Variant type: single nucleotide variant.
Coding change: c.2197G>A on transcript NM_198578.4 (MANE Select); coding-DNA position 2197, G replaced by A.
Protein change: p.Ala733Thr; replaces alanine 733 with threonine.
Molecular consequence: missense variant.
Genome position (GRCh38, 1-based): chr12:40,278,217, G>A. VCF-style: chr12-40278217-G-A. GRCh37 (hg19) VCF-style: chr12-40672019-G-A.
Other names: short protein forms A733T.
Identifiers: ClinVar variation 1787509 (VCV001787509.2), dbSNP rs2499639253, ClinGen allele CA384405238.

ClinVar aggregate classification (germline): Uncertain significance (1 of 4 stars; one submission).

Conditions:
Inborn genetic diseases. Identifiers: MedGen C0950123, MeSH D030342.

Allele frequency attached by ClinVar (database versions not stated): gnomAD exomes below 0.00001.
gnomAD v4.1: 1 of 1,614,148 alleles (0.000062%); highest among the groups gnomAD compares: Non-Finnish European, 0.000085%; no homozygotes.

Submission:

Ambry Genetics
Classification: Uncertain significance for Inborn genetic diseases. Last evaluated: 2024-03-21. Review status: criteria provided, single submitter. Criteria: Ambry Variant Classification Scheme 2023. Collection method: clinical testing. Allele origin: germline.
Comment: The p.A733T variant (also known as c.2197G>A), located in coding exon 18 of the LRRK2 gene, results from a G to A substitution at nucleotide position 2197. The alanine at codon 733 is replaced by threonine, an amino acid with similar properties. This amino acid position is conserved. In addition, this alteration is predicted to be deleterious by in silico analysis. Since supporting evidence is limited at this time, the clinical significance of this alteration remains unclear.